The following is an entry in ClinVar:

NM_006231.4(POLE):c.3848C>A (p.Ala1283Asp)

Gene: POLE (DNA polymerase epsilon, catalytic subunit; minus strand). Cytogenetic location: 12q24.33.
Variant type: single nucleotide variant.
Coding change: c.3848C>A on transcript NM_006231.4 (MANE Select); coding-DNA position 3848, C replaced by A.
Protein change: p.Ala1283Asp; replaces alanine 1283 with aspartic acid.
Molecular consequence: missense variant.
Genome position (GRCh38, 1-based): chr12:132,649,463, G>T on the plus strand (C>A on the coding strand, the complement: POLE is on the minus strand). VCF-style: chr12-132649463-G-T. GRCh37 (hg19) VCF-style: chr12-133226049-G-T.
Other names: short protein forms A1283D.
Identifiers: ClinVar variation 3225445 (VCV003225445.1), dbSNP rs2138609196, ClinGen allele CA387385424.
Genomic context (GRCh38, chr12:132,649,463, plus strand): 5'-CTGAGCACACCCTCTGCCGACTCCAGACGCTGCCTCTTCCTGCGGGCGAGGCGCTGCCGG[G>T]CCTGCAGCTGCCACTTCTTCTTGTGGAACCGGAGCCAGACAAGCCATTCCTCCTGGGATG-3'
Protein context (NP_006222.2, residues 1273-1293): RFHKKKWQLQ[Ala1283Asp]RQRLARRKRQ

ClinVar aggregate classification (germline): Uncertain significance (1 of 4 stars; one submission).

Conditions:
Hereditary cancer-predisposing syndrome. Also called: Neoplastic Syndromes, Hereditary; Tumor predisposition; Hereditary neoplastic syndrome; Hereditary Cancer Syndrome. Identifiers: Orphanet 140162, MedGen C0027672, MeSH D009386, MONDO:0015356.

Submission:

Ambry Genetics
Classification: Uncertain significance for Hereditary cancer-predisposing syndrome. Last evaluated: 2023-11-19. Review status: criteria provided, single submitter. Criteria: Ambry Variant Classification Scheme 2023. Collection method: clinical testing. Allele origin: germline.
Comment: The p.A1283D variant (also known as c.3848C>A), located in coding exon 31 of the POLE gene, results from a C to A substitution at nucleotide position 3848. The alanine at codon 1283 is replaced by aspartic acid, an amino acid with dissimilar properties. This amino acid position is conserved. In addition, this alteration is predicted to be tolerated by in silico analysis. Since supporting evidence is limited at this time, the clinical significance of this alteration remains unclear.